The following is an entry in ClinVar:

NM_001009944.3(PKD1):c.3796C>A (p.Arg1266=)

Gene: PKD1 (polycystin 1, transient receptor potential channel interacting; minus strand). Cytogenetic location: 16p13.3.
Variant type: single nucleotide variant.
Coding change: c.3796C>A on transcript NM_001009944.3 (MANE Select); coding-DNA position 3796, C replaced by A.
Protein change: p.Arg1266=; no amino-acid change (arginine 1266 retained).
Molecular consequence: synonymous variant.
Genome position (GRCh38, 1-based): chr16:2,111,371, G>T on the plus strand (C>A on the coding strand, the complement: PKD1 is on the minus strand). VCF-style: chr16-2111371-G-T. GRCh37 (hg19) VCF-style: chr16-2161372-G-T.
Other names: c.3796C>A, p.Arg1266= (NM_000296.4).
Identifiers: ClinVar variation 4823881 (VCV004823881.5).

ClinVar aggregate classification (germline): Likely benign. Review status: criteria provided, multiple submitters, no conflicts (2 of 4 stars). 2 submissions from 2 submitters: Likely benign (2). Last evaluated 2026-02-01.

Conditions:
PKD1-related disorder. Also called: PKD1-related condition.

gnomAD v4.1: 40 of 1,610,852 alleles (0.0025%); highest among the groups gnomAD compares: Middle Eastern, 0.017%; no homozygotes.

Submissions (2):

CeGaT Center for Human Genetics Tuebingen
Classification: Likely benign. Last evaluated: 2026-02-01. Review status: criteria provided, single submitter. Criteria: CeGaT Center For Human Genetics Tuebingen Variant Classification Criteria Version 2. Collection method: clinical testing. Allele origin: germline. Affected: yes. Observed: 1 variant allele.
Comment: PKD1: BP4, BP7

PreventionGenetics, part of Exact Sciences
Classification: Likely benign for PKD1-related condition. Last evaluated: 2026-01-27. Review status: criteria provided, single submitter. Criteria: ACMG Guidelines, 2015. Collection method: clinical testing. Allele origin: germline.
Comment: This variant is classified as likely benign based on ACMG/AMP sequence variant interpretation guidelines (Richards et al. 2015 PMID: 25741868, with internal and published modifications).